The following is an entry in ClinVar:

NM_001379200.1(TBX1):c.437+11C>T

Gene: TBX1 (T-box transcription factor 1; plus strand). Cytogenetic location: 22q11.21.
Variant type: single nucleotide variant.
Coding change: c.437+11C>T on transcript NM_001379200.1 (MANE Select); 11 bases into the intron after coding-DNA position 437, C replaced by T.
Molecular consequence: intron variant.
Genome position (GRCh38, 1-based): chr22:19,761,291, C>T. VCF-style: chr22-19761291-C-T. GRCh37 (hg19) VCF-style: chr22-19748814-C-T.
Other names: c.410+11C>T (NM_005992.1, NM_080646.2, NM_080647.1).
Identifiers: ClinVar variation 392937 (VCV000392937.9), dbSNP rs751433208, ClinGen allele CA10102417.
Genomic context (GRCh38, chr22:19,761,291, plus strand): 5'-GACGAGTTCAACCAGCTGGGCACCGAGATGATCGTCACCAAGGCCGGCAGGTCAGGGCGC[C>T]CCTCCCCACGCCGCGACCCTCCCCACGTGCTGCCGCCAGGGCTGCGGGCCTCCGCCTGAT-3'

ClinVar aggregate classification (germline): Benign/Likely benign. Review status: criteria provided, multiple submitters, no conflicts (2 of 4 stars). 3 submissions from 3 submitters: Benign (1); Likely benign (2). Last evaluated 2026-01-12.

Conditions:
DiGeorge syndrome. Also called: THIRD AND FOURTH PHARYNGEAL POUCH SYNDROME; Catch22. Identifiers: Orphanet 567, MedGen C0012236, MONDO:0008564, OMIM 188400.

Allele frequency attached by ClinVar (database versions not stated): gnomAD 0.00004; gnomAD exomes 0.00007 and 0.00028; TOPMed 0.00009; ExAC 0.00026.
gnomAD v4.1: 94 of 1,540,324 alleles (0.0061%); highest among the groups gnomAD compares: Admixed American, 0.12%; no homozygotes.

Submissions (3):

Labcorp Genetics (formerly Invitae), Labcorp
Classification: Benign for DiGeorge syndrome. Last evaluated: 2026-01-12. Review status: criteria provided, single submitter. Criteria: Invitae Variant Classification Sherloc (09022015). Collection method: clinical testing. Allele origin: germline.

Blueprint Genetics
Classification: Likely benign. Last evaluated: 2024-08-29. Review status: criteria provided, single submitter. Criteria: ACMG Guidelines, 2015. Collection method: clinical testing. Allele origin: germline.

GeneDx
Classification: Likely benign. Last evaluated: 2017-01-10. Review status: criteria provided, single submitter. Criteria: GeneDx Variant Classification (06012015). Collection method: clinical testing. Allele origin: germline. Affected: yes.
Comment: This variant is considered likely benign or benign based on one or more of the following criteria: it is a conservative change, it occurs at a poorly conserved position in the protein, it is predicted to be benign by multiple in silico algorithms, and/or has population frequency not consistent with disease.